The following is an entry in ClinVar:

ClinVar aggregate classification (germline): Uncertain significance. Review status: criteria provided, multiple submitters, no conflicts (2 of 4 stars). 2 submissions from 2 submitters: Uncertain significance (2). Last evaluated 2025-01-12.

Conditions:
Hereditary pancreatitis (PCTT). Also called: Hereditary chronic pancreatitis; PRSS1-Related Hereditary Pancreatitis. Identifiers: Orphanet 676, MedGen C0238339, MONDO:0008185, OMIM 167800.

Submissions (2):

Labcorp Genetics (formerly Invitae), Labcorp
Classification: Uncertain significance for Hereditary pancreatitis. Last evaluated: 2025-01-12. Review status: criteria provided, single submitter. Criteria: Invitae Variant Classification Sherloc (09022015). Collection method: clinical testing. Allele origin: germline.
Comment: This sequence change replaces proline, which is neutral and non-polar, with arginine, which is basic and polar, at codon 45 of the SPINK1 protein (p.Pro45Arg). This variant is not present in population databases (gnomAD no frequency). This variant has not been reported in the literature in individuals affected with SPINK1-related conditions. ClinVar contains an entry for this variant (Variation ID: 3223130). An algorithm developed to predict the effect of missense changes on protein structure and function (PolyPhen-2) suggests that this variant is likely to be disruptive. In summary, the available evidence is currently insufficient to determine the role of this variant in disease. Therefore, it has been classified as a Variant of Uncertain Significance.

Ambry Genetics
Classification: Uncertain significance for Hereditary pancreatitis. Last evaluated: 2023-11-03. Review status: criteria provided, single submitter. Criteria: Ambry Variant Classification Scheme 2023. Collection method: clinical testing. Allele origin: germline.
Comment: The p.P45R variant (also known as c.134C>G), located in coding exon 3 of the SPINK1 gene, results from a C to G substitution at nucleotide position 134. The proline at codon 45 is replaced by arginine, an amino acid with dissimilar properties. This amino acid position is conserved. In addition, this alteration is predicted to be deleterious by in silico analysis. Since supporting evidence is limited at this time, the clinical significance of this alteration remains unclear.

NM_001379610.1(SPINK1):c.134C>G (p.Pro45Arg)

Gene: SPINK1 (serine peptidase inhibitor Kazal type 1; minus strand). Cytogenetic location: 5q32.
Variant type: single nucleotide variant.
Coding change: c.134C>G on transcript NM_001379610.1 (MANE Select); coding-DNA position 134, C replaced by G.
Protein change: p.Pro45Arg; replaces proline 45 with arginine.
Molecular consequence: missense variant.
Genome position (GRCh38, 1-based): chr5:147,828,082, G>C on the plus strand (C>G on the coding strand, the complement: SPINK1 is on the minus strand). VCF-style: chr5-147828082-G-C. GRCh37 (hg19) VCF-style: chr5-147207645-G-C.
Other names: c.134C>G, p.Pro45Arg (NM_001354966.2, NM_003122.5); short protein forms P45R.
Identifiers: ClinVar variation 3223130 (VCV003223130.3), dbSNP rs775872440, ClinGen allele CA361885286.